The following is an entry in ClinVar:

ClinVar aggregate classification (germline): Likely benign. Review status: criteria provided, multiple submitters, no conflicts (2 of 4 stars). 2 submissions from 2 submitters: Likely benign (2). Last evaluated 2026-08-01.

Conditions:
Melnick-Fraser syndrome (BOR). Also called: Branchiootorenal Syndrome (BORS); Branchiootorenal syndrome; Branchio-oto-renal syndrome. Identifiers: Orphanet 107, MedGen C0265234, MONDO:0007029.

Allele frequency attached by ClinVar (database versions not stated): TOPMed 0.00003; gnomAD 0.00006; ExAC 0.00010.
gnomAD v4.1: 64 of 1,613,884 alleles (0.004%); highest among the groups gnomAD compares: Admixed American, 0.005%; no homozygotes.

Submissions (2):

CeGaT Center for Human Genetics Tuebingen
Classification: Likely benign. Last evaluated: 2026-08-01. Review status: criteria provided, single submitter. Criteria: CeGaT Center For Human Genetics Tuebingen Variant Classification Criteria Version 2. Collection method: clinical testing. Allele origin: germline. Affected: yes. Observed: 1 variant allele.
Comment: EYA1: BP4, BP7

Labcorp Genetics (formerly Invitae), Labcorp
Classification: Likely benign for Melnick-Fraser syndrome. Last evaluated: 2026-01-05. Review status: criteria provided, single submitter. Criteria: Invitae Variant Classification Sherloc (09022015). Collection method: clinical testing. Allele origin: germline.

NM_000503.6(EYA1):c.1461G>A (p.Ser487=)

Gene: EYA1 (EYA transcriptional coactivator and phosphatase 1; minus strand). Cytogenetic location: 8q13.3.
Variant type: single nucleotide variant.
Coding change: c.1461G>A on transcript NM_000503.6 (MANE Select); coding-DNA position 1461, G replaced by A.
Protein change: p.Ser487=; no amino-acid change (serine 487 retained).
Molecular consequence: synonymous variant.
Genome position (GRCh38, 1-based): chr8:71,215,628, C>T on the plus strand (G>A on the coding strand, the complement: EYA1 is on the minus strand). VCF-style: chr8-71215628-C-T. GRCh37 (hg19) VCF-style: chr8-72127863-C-T.
Other names: c.1443G>A, p.Ser481= (NM_001288574.2, NM_172059.5); c.1095G>A, p.Ser365= (NM_001288575.2); c.1548G>A, p.Ser516= (NM_001370333.1); c.1461G>A, p.Ser487= (NM_001370334.1, NM_001370335.1, NM_172058.4); c.1440G>A, p.Ser480= (NM_001370336.1); c.1362G>A, p.Ser454= (NM_001411797.1, NM_172060.4).
Identifiers: ClinVar variation 3014269 (VCV003014269.4), dbSNP rs773439507, ClinGen allele CA4779461.